The following is an entry in ClinVar:

ClinVar aggregate classification (germline): Uncertain significance. Review status: criteria provided, multiple submitters, no conflicts (2 of 4 stars). 2 submissions from 2 submitters: Uncertain significance (2). Last evaluated 2025-07-14.

Conditions:
Inborn genetic diseases. Identifiers: MedGen C0950123, MeSH D030342.

Allele frequency attached by ClinVar (database versions not stated): gnomAD 0.00001; TOPMed 0.00001.
gnomAD v4.1: 14 of 1,551,796 alleles (0.0009%); highest among the groups gnomAD compares: Middle Eastern, 0.017%; no homozygotes.

Submissions (2):

Ambry Genetics
Classification: Uncertain significance for Inborn genetic diseases. Last evaluated: 2025-07-14. Review status: criteria provided, single submitter. Criteria: Ambry Variant Classification Scheme 2023. Collection method: clinical testing. Allele origin: germline.

Labcorp Genetics (formerly Invitae), Labcorp
Classification: Uncertain significance. Last evaluated: 2022-10-17. Review status: criteria provided, single submitter. Criteria: Invitae Variant Classification Sherloc (09022015). Collection method: clinical testing. Allele origin: germline.
Comment: This sequence change replaces arginine, which is basic and polar, with histidine, which is basic and polar, at codon 1490 of the UNC80 protein (p.Arg1490His). This variant is not present in population databases (gnomAD no frequency). This variant has not been reported in the literature in individuals affected with UNC80-related conditions. ClinVar contains an entry for this variant (Variation ID: 1503332). Advanced modeling of protein sequence and biophysical properties (such as structural, functional, and spatial information, amino acid conservation, physicochemical variation, residue mobility, and thermodynamic stability) performed at Invitae indicates that this missense variant is not expected to disrupt UNC80 protein function. In summary, the available evidence is currently insufficient to determine the role of this variant in disease. Therefore, it has been classified as a Variant of Uncertain Significance.

NM_001371986.1(UNC80):c.4667G>A (p.Arg1556His)

Gene: UNC80 (unc-80 subunit of NALCN channel complex; plus strand). Cytogenetic location: 2q34.
Variant type: single nucleotide variant.
Coding change: c.4667G>A on transcript NM_001371986.1 (MANE Select); coding-DNA position 4667, G replaced by A.
Protein change: p.Arg1556His; replaces arginine 1556 with histidine.
Molecular consequence: missense variant.
Genome position (GRCh38, 1-based): chr2:209,904,850, G>A. VCF-style: chr2-209904850-G-A. GRCh37 (hg19) VCF-style: chr2-210769574-G-A.
Other names: c.4469G>A, p.Arg1490His (NM_032504.2); c.4454G>A, p.Arg1485His (NM_182587.4); c.4469G>A (NM_032504.1); short protein forms R1556H, R1485H, R1490H.
Identifiers: ClinVar variation 1503332 (VCV001503332.6), dbSNP rs1158458544, ClinGen allele CA350755231.
Genomic context (GRCh38, chr2:209,904,850, plus strand): 5'-AGAGTTTCATCTGCACTCACGTTGACTACTGCCATCCCCACTGCTACCTGCACCACAGCC[G>A]CTCCTGTGCCCGACTGGTCAGAGCCATCAAGCTACTCTATGGAGACAGTGTGGACTCCCT-3'
Protein context (NP_001358915.1, residues 1546-1566): CHPHCYLHHS[Arg1556His]SCARLVRAIK